The following is an entry in ClinVar:

NM_001384732.1(CPLANE1):c.2574A>G (p.Glu858=)

Gene: CPLANE1 (ciliogenesis and planar polarity effector complex subunit 1; minus strand). Cytogenetic location: 5p13.2.
Variant type: single nucleotide variant.
Coding change: c.2574A>G on transcript NM_001384732.1 (MANE Select); coding-DNA position 2574, A replaced by G.
Protein change: p.Glu858=; no amino-acid change (glutamic acid 858 retained).
Molecular consequence: synonymous variant.
Genome position (GRCh38, 1-based): chr5:37,224,260, T>C on the plus strand (A>G on the coding strand, the complement: CPLANE1 is on the minus strand). VCF-style: chr5-37224260-T-C. GRCh37 (hg19) VCF-style: chr5-37224362-T-C.
Other names: c.2574A>G, p.Glu858= (NM_023073.4).
Identifiers: ClinVar variation 4821140 (VCV004821140.4).

ClinVar aggregate classification (germline): Likely benign (1 of 4 stars; one submission).

gnomAD v4.1: 37 of 1,546,364 alleles (0.0024%); highest among the groups gnomAD compares: Non-Finnish European, 0.0031%; no homozygotes.

Submission:

CeGaT Center for Human Genetics Tuebingen
Classification: Likely benign. Last evaluated: 2026-01-01. Review status: criteria provided, single submitter. Criteria: CeGaT Center For Human Genetics Tuebingen Variant Classification Criteria Version 2. Collection method: clinical testing. Allele origin: germline. Affected: yes. Observed: 1 variant allele.
Comment: CPLANE1: BP4, BP7